The following is an entry in ClinVar:

ClinVar aggregate classification (germline): Pathogenic (1 of 4 stars; one submission).

Conditions:
X-linked cerebral-cerebellar-coloboma syndrome syndrome. Also called: Cerebral-cerebellar-coloboma syndrome, X-linked. Identifiers: Orphanet 163961, MedGen C3275487, MONDO:0010464, OMIM 300864.

Submission:

Baylor Genetics
Classification: Pathogenic for X-linked cerebral-cerebellar-coloboma syndrome syndrome. Last evaluated: 2017-09-01. Review status: criteria provided, single submitter. Criteria: ACMG Guidelines, 2015. Collection method: clinical testing. Allele origin: de novo. Inheritance: X-linked inheritance. Affected: yes.

Literature cited by the submitters: PubMed 25326635.

NM_001029896.2(WDR45):c.131-11_145del

Genes: WDR45 (WD repeat domain 45; minus strand), LOC126863256 (BRD4-independent group 4 enhancer GRCh37_chrX:48934848-48936047; plus strand). Cytogenetic location: Xp11.23.
Variant type: Deletion.
Coding change: c.131-11_145del on transcript NM_001029896.2 (MANE Select); 11 bases into the intron before coding-DNA position 131 through coding-DNA position 145, 26 bases deleted (TCCCTGTCCAGACCACGAGCAGGTGG).
Molecular consequence: splice acceptor variant.
Genome position (GRCh38, 1-based): chrX:49,077,733-49,077,758, CCACCTGCTCGTGGTCTGGACAGGGA deleted on the plus strand (TCCCTGTCCAGACCACGAGCAGGTGG on the coding strand, the reverse complement: WDR45 is on the minus strand); deleting any 26 consecutive bases within chrX:49,077,733-49,077,761 gives the same sequence; the c. name uses the placement nearest the transcript's 3' end. VCF-style (leftmost placement, unchanged base first): chrX-49077732-CCCACCTGCTCGTGGTCTGGACAGGGA-C. GRCh37 (hg19) VCF-style: chrX-48935391-CCCACCTGCTCGTGGTCTGGACAGGGA-C.
Other names: c.131-11_145del (NM_007075.4).
Identifiers: ClinVar variation 560932 (VCV000560932.2), dbSNP rs1569523544, ClinGen allele CA658824352.
Genomic context (GRCh38, chrX:49,077,732, plus strand): 5'-CCACCGCCCACCAAGGCCAGAAGGTTGGAGCGGTGCAGCATCTCCACCAAGCCCATGCTG[CCCACCTGCTCGTGGTCTGGACAGGGA>C]CCAGGGTGTCAGTGGAGGTGGGAGCCAACGCCCAGCCCAGCTCTTCTGCCCATTGCCCCT-3'